The following is an entry in ClinVar:

ClinVar aggregate classification (germline): Uncertain significance (1 of 4 stars; one submission).

Conditions:
Ataxia-telangiectasia syndrome (AT). Also called: Ataxia-telangiectasia, complementation group D; AT, COMPLEMENTATION GROUP C; ATAXIA-TELANGIECTASIA, COMPLEMENTATION GROUP A; ATAXIA-TELANGIECTASIA, FRESNO VARIANT; Ataxia-telangiectasia; Ataxia telangiectasia (A-T). Identifiers: Orphanet 100, MedGen C0004135, MONDO:0008840, OMIM 208900.

Submission:

Labcorp Genetics (formerly Invitae), Labcorp
Classification: Uncertain significance for Ataxia-telangiectasia syndrome. Last evaluated: 2020-02-05. Review status: criteria provided, single submitter. Criteria: Invitae Variant Classification Sherloc (09022015). Collection method: clinical testing. Allele origin: germline.
Comment: In summary, the available evidence is currently insufficient to determine the role of this variant in disease. Therefore, it has been classified as a Variant of Uncertain Significance. Algorithms developed to predict the effect of missense changes on protein structure and function output the following: SIFT: "Tolerated"; PolyPhen-2: "Benign"; Align-GVGD: "Class C0". The threonine amino acid residue is found in multiple mammalian species, suggesting that this missense change does not adversely affect protein function. These predictions have not been confirmed by published functional studies and their clinical significance is uncertain. This variant has not been reported in the literature in individuals with ATM-related conditions. This variant is not present in population databases (ExAC no frequency). This sequence change replaces asparagine with threonine at codon 2994 of the ATM protein (p.Asn2994Thr). The asparagine residue is weakly conserved and there is a small physicochemical difference between asparagine and threonine.

NM_000051.4(ATM):c.8981A>C (p.Asn2994Thr)

Genes: ATM (ATM serine/threonine kinase; plus strand), C11orf65 (chromosome 11 open reading frame 65; minus strand). Cytogenetic location: 11q22.3.
Variant type: single nucleotide variant.
Coding change: c.8981A>C on transcript NM_000051.4 (MANE Select); coding-DNA position 8981, A replaced by C.
Protein change: p.Asn2994Thr; replaces asparagine 2994 with threonine.
Molecular consequence: missense variant. On other transcripts: intron variant (2).
Genome position (GRCh38, 1-based): chr11:108,365,212, A>C. VCF-style: chr11-108365212-A-C. GRCh37 (hg19) VCF-style: chr11-108235939-A-C.
Other names: c.8981A>C, p.Asn2994Thr (NM_001351834.2); c.640+20708T>G (NM_001330368.2); c.694+20708T>G (NM_001351110.2); short protein forms N2994T.
Identifiers: ClinVar variation 1001912 (VCV001001912.47), dbSNP rs2091216343, ClinGen allele CA382530468.
Genomic context (GRCh38, chr11:108,365,212, plus strand): 5'-CGGAAGATGAAACTGAGCTTCACCCTACTCTGAATGCAGATGACCAAGAATGCAAACGAA[A>C]TCTCAGGTGAGCAGTATTTTAAGAAGGTCCTGTTGTCAGTTTTTCAGATTTTCTTATTCC-3'
Protein context (NP_000042.3, residues 2984-3004): LNADDQECKR[Asn2994Thr]LSDIDQSFNK